The following is an entry in ClinVar:

NM_004484.4(GPC3):c.482T>C (p.Ile161Thr)

Gene: GPC3 (glypican 3; minus strand). Cytogenetic location: Xq26.2.
Variant type: single nucleotide variant.
Coding change: c.482T>C on transcript NM_004484.4 (MANE Select); coding-DNA position 482, T replaced by C.
Protein change: p.Ile161Thr; replaces isoleucine 161 with threonine.
Molecular consequence: missense variant.
Genome position (GRCh38, 1-based): chrX:133,754,032, A>G on the plus strand (T>C on the coding strand, the complement: GPC3 is on the minus strand). VCF-style: chrX-133754032-A-G. GRCh37 (hg19) VCF-style: chrX-132888059-A-G.
Other names: c.482T>C, p.Ile161Thr (NM_001164617.2); c.434T>C, p.Ile145Thr (NM_001164618.2); c.320T>C, p.Ile107Thr (NM_001164619.2); short protein forms I161T, I107T, I145T.
Identifiers: ClinVar variation 951918 (VCV000951918.10), dbSNP rs1194302542, ClinGen allele CA414706531.

ClinVar aggregate classification (germline): Uncertain significance (1 of 4 stars; one submission).

Conditions:
Wilms tumor 1 (WT1). Also called: Wilms tumor, somatic. Identifiers: Orphanet 654, MedGen CN033288, MONDO:0008679, OMIM 194070.

Allele frequency attached by ClinVar (database versions not stated): TOPMed below 0.00001; gnomAD 0.00001.
gnomAD v4.1: 1 of 1,207,979 alleles (0.000083%); highest among the groups gnomAD compares: Non-Finnish European, 0.00011%; no homozygotes.

Submission:

Labcorp Genetics (formerly Invitae), Labcorp
Classification: Uncertain significance for Wilms tumor 1. Last evaluated: 2019-11-10. Review status: criteria provided, single submitter. Criteria: Invitae Variant Classification Sherloc (09022015). Collection method: clinical testing. Allele origin: germline.
Comment: In summary, the available evidence is currently insufficient to determine the role of this variant in disease. Therefore, it has been classified as a Variant of Uncertain Significance. Algorithms developed to predict the effect of missense changes on protein structure and function (SIFT, PolyPhen-2, Align-GVGD) all suggest that this variant is likely to be tolerated, but these predictions have not been confirmed by published functional studies and their clinical significance is uncertain. This variant has not been reported in the literature in individuals with GPC3-related conditions. This variant is not present in population databases (ExAC no frequency). This sequence change replaces isoleucine with threonine at codon 161 of the GPC3 protein (p.Ile161Thr). The isoleucine residue is moderately conserved and there is a moderate physicochemical difference between isoleucine and threonine.